The following is an entry in ClinVar:

NM_006206.6(PDGFRA):c.1651C>T (p.Gln551Ter)

Gene: PDGFRA (platelet derived growth factor receptor alpha; plus strand). Cytogenetic location: 4q12.
Variant type: single nucleotide variant.
Coding change: c.1651C>T on transcript NM_006206.6 (MANE Select); coding-DNA position 1651, C replaced by T.
Protein change: p.Gln551Ter; replaces glutamine 551 with a stop codon.
Molecular consequence: nonsense.
Genome position (GRCh38, 1-based): chr4:54,274,623, C>T. VCF-style: chr4-54274623-C-T. GRCh37 (hg19) VCF-style: chr4-55140790-C-T.
Other names: c.1651C>T, p.Gln551Ter (NM_001347827.2, NM_001347829.2); c.1726C>T, p.Gln576Ter (NM_001347828.2); c.1690C>T, p.Gln564Ter (NM_001347830.2); short protein forms Q564*, Q576*, Q551*.
Identifiers: ClinVar variation 4703538 (VCV004703538.1).
Genomic context (GRCh38, chr4:54,274,623, plus strand): 5'-GTCCTGGTGCTGTTGGTGATTGTGATCATCTCACTTATTGTCCTGGTTGTCATTTGGAAA[C>T]AGGTAGATATTTTCTCATAAAACTAAAGATCTTTGAAGCCAATGAGAACAAGCATAGCAA-3'

ClinVar aggregate classification (germline): Uncertain significance (1 of 4 stars; one submission).

Conditions:
Gastrointestinal stromal tumor. Also called: Gastrointestinal stromal tumor, somatic; Gastrointestinal stroma tumor. Identifiers: Orphanet 44890, MedGen C0238198, MeSH D046152, MONDO:0011719, OMIM 606764, HP:0100723.

gnomAD v4.1: 3 of 1,607,772 alleles (0.00019%); highest among the groups gnomAD compares: Non-Finnish European, 0.00026%; no homozygotes.

Submission:

Labcorp Genetics (formerly Invitae), Labcorp
Classification: Uncertain significance for Gastrointestinal stromal tumor. Last evaluated: 2025-12-24. Review status: criteria provided, single submitter. Criteria: Invitae Variant Classification Sherloc (09022015). Collection method: clinical testing. Allele origin: germline.
Comment: This sequence change creates a premature translational stop signal (p.Gln551*) in the PDGFRA gene. It is expected to result in an absent or disrupted protein product. However, the current clinical and genetic evidence is not sufficient to establish whether loss-of-function variants in PDGFRA cause disease. This variant is not present in population databases (gnomAD no frequency). This variant has not been reported in the literature in individuals affected with PDGFRA-related conditions. Algorithms developed to predict the effect of sequence changes on RNA splicing suggest that this variant may disrupt the consensus splice site. In summary, the available evidence is currently insufficient to determine the role of this variant in disease. Therefore, it has been classified as a Variant of Uncertain Significance.